The following is an entry in ClinVar:

NM_001080472.4(FITM2):c.22G>C (p.Glu8Gln)

Gene: FITM2 (fat storage inducing transmembrane protein 2; minus strand). Cytogenetic location: 20q13.12.
Variant type: single nucleotide variant.
Coding change: c.22G>C on transcript NM_001080472.4 (MANE Select); coding-DNA position 22, G replaced by C.
Protein change: p.Glu8Gln; replaces glutamic acid 8 with glutamine.
Molecular consequence: missense variant.
Genome position (GRCh38, 1-based): chr20:44,311,127, C>G on the plus strand (G>C on the coding strand, the complement: FITM2 is on the minus strand). VCF-style: chr20-44311127-C-G. GRCh37 (hg19) VCF-style: chr20-42939767-C-G.
Other names: c.22G>C (NM_001080472.2); short protein forms E8Q.
Identifiers: ClinVar variation 3355598 (VCV003355598.2).

ClinVar aggregate classification (germline): Uncertain significance. Review status: criteria provided, single submitter (1 of 4 stars). 2 submissions from 2 submitters: Uncertain significance (1). 1 of the submissions does not count toward it. Last evaluated 2024-10-09.

Conditions:
FITM2-related disorder. Also called: FITM2-related condition.

gnomAD v4.1: 414 of 1,612,824 alleles (0.026%); highest among the groups gnomAD compares: Non-Finnish European, 0.031%; 1 homozygote.

Submissions (2):

GeneDx
Classification: Uncertain significance. Last evaluated: 2024-10-09. Review status: criteria provided, single submitter. Criteria: GeneDx Variant Classification Process June 2021. Collection method: clinical testing. Allele origin: germline. Affected: yes.
Comment: In silico analysis indicates that this missense variant does not alter protein structure/function; Has not been previously published as pathogenic or benign to our knowledge

PreventionGenetics, part of Exact Sciences
Classification: Uncertain significance for FITM2-related condition. Last evaluated: 2024-06-28. Review status: no assertion criteria provided. Collection method: clinical testing. Allele origin: germline. Not counted in ClinVar's aggregate classification.
Comment: The FITM2 c.22G>C variant is predicted to result in the amino acid substitution p.Glu8Gln. To our knowledge, this variant has not been reported in the literature. This variant is reported in 0.059% of alleles in individuals of Ashkenazi Jewish descent in gnomAD. Although we suspect that this variant may be benign, at this time, the clinical significance of this variant is uncertain due to the absence of conclusive functional and genetic evidence.